The following is an entry in ClinVar:

ClinVar aggregate classification (germline): Pathogenic (1 of 4 stars; one submission).

Submission:

GeneDx
Classification: Pathogenic. Last evaluated: 2019-07-10. Review status: criteria provided, single submitter. Criteria: GeneDx Variant Classification Process June 2021. Collection method: clinical testing. Allele origin: germline. Affected: yes.
Comment: Nonsense variant predicted to result in protein truncation or nonsense mediated decay in a gene for which loss-of-function is a known mechanism of disease; Not observed in large population cohorts (Lek et al., 2016); Has not been previously published as pathogenic or benign to our knowledge

NM_206933.4(USH2A):c.6140T>A (p.Leu2047Ter)

Gene: USH2A (usherin; minus strand). Cytogenetic location: 1q41.
Variant type: single nucleotide variant.
Coding change: c.6140T>A on transcript NM_206933.4 (MANE Select); coding-DNA position 6140, T replaced by A.
Protein change: p.Leu2047Ter; replaces leucine 2047 with a stop codon.
Molecular consequence: nonsense.
Genome position (GRCh38, 1-based): chr1:216,048,557, A>T on the plus strand (T>A on the coding strand, the complement: USH2A is on the minus strand). VCF-style: chr1-216048557-A-T. GRCh37 (hg19) VCF-style: chr1-216221899-A-T.
Other names: short protein forms L2047*.
Identifiers: ClinVar variation 1189800 (VCV001189800.2), dbSNP rs1368784894, ClinGen allele CA344859433.